The following is an entry in ClinVar:

NM_000501.4(ELN):c.2109C>T (p.Phe703=)

Gene: ELN (elastin; plus strand). Cytogenetic location: 7q11.23.
Variant type: single nucleotide variant.
Coding change: c.2109C>T on transcript NM_000501.4 (MANE Select); coding-DNA position 2109, C replaced by T.
Protein change: p.Phe703=; no amino-acid change (phenylalanine 703 retained).
Molecular consequence: synonymous variant.
Genome position (GRCh38, 1-based): chr7:74,066,754, C>T. VCF-style: chr7-74066754-C-T. GRCh37 (hg19) VCF-style: chr7-73481084-C-T.
Other names: c.2109C>T (NM_000501.2); c.1968C>T, p.Phe656= (NM_001081752.3); c.2013C>T, p.Phe671= (NM_001081753.3); c.2070C>T, p.Phe690= (NM_001081754.3); c.2052C>T, p.Phe684= (NM_001081755.3); c.2055C>T, p.Phe685= (NM_001278912.2); c.1866C>T, p.Phe622= (NM_001278913.2); c.2037C>T, p.Phe679= (NM_001278914.2); and 5 more.
Identifiers: ClinVar variation 360662 (VCV000360662.51), dbSNP rs149755814, ClinGen allele CA4293397.

ClinVar aggregate classification (germline): Benign/Likely benign. Review status: criteria provided, multiple submitters, no conflicts (2 of 4 stars). 5 submissions from 5 submitters: Benign (1); Likely benign (4). Last evaluated 2026-01-21.

Conditions:
Supravalvar aortic stenosis (SVAS). Also called: Supravalvar aortic stenosis, Eisenberg type. Identifiers: Orphanet 3193, MedGen C0003499, MONDO:0008504, OMIM 185500, HP:0004381.

Allele frequency attached by ClinVar (database versions not stated): gnomAD exomes 0.00018; 1000 Genomes Project 0.00020; gnomAD 0.00029 and 0.00032; ESP Exome Variant Server 0.00031; TOPMed 0.00032; ExAC 0.00012; 1000 Genomes Project 30x 0.00016.
gnomAD v4.1: 660 of 1,613,612 alleles (0.041%); highest among the groups gnomAD compares: Non-Finnish European, 0.051%; no homozygotes.

Submissions (5):

Labcorp Genetics (formerly Invitae), Labcorp
Classification: Likely benign for Supravalvar aortic stenosis. Last evaluated: 2026-01-21. Review status: criteria provided, single submitter. Criteria: Invitae Variant Classification Sherloc (09022015). Collection method: clinical testing. Allele origin: germline.

CeGaT Center for Human Genetics Tuebingen
Classification: Likely benign. Last evaluated: 2025-09-01. Review status: criteria provided, single submitter. Criteria: CeGaT Center For Human Genetics Tuebingen Variant Classification Criteria Version 2. Collection method: clinical testing. Allele origin: germline. Affected: yes. Observed: 3 variant alleles.
Comment: ELN: BP4, BP7

Women's Health and Genetics/Laboratory Corporation of America, LabCorp
Classification: Benign. Last evaluated: 2025-01-04. Review status: criteria provided, single submitter. Criteria: LabCorp Variant Classification Summary - May 2015. Collection method: clinical testing. Allele origin: germline.

Blueprint Genetics
Classification: Likely benign. Last evaluated: 2024-08-19. Review status: criteria provided, single submitter. Criteria: ACMG Guidelines, 2015. Collection method: clinical testing. Allele origin: germline.

GeneDx
Classification: Likely benign. Last evaluated: 2021-01-11. Review status: criteria provided, single submitter. Criteria: GeneDx Variant Classification Process June 2021. Collection method: clinical testing. Allele origin: germline. Affected: yes.